The following is an entry in ClinVar:

NM_001723.7(DST):c.64C>T (p.Arg22Ter)

Gene: DST (dystonin; minus strand). Cytogenetic location: 6p12.1.
Variant type: single nucleotide variant.
Coding change: c.64C>T on transcript NM_001723.7 (MANE Plus Clinical); coding-DNA position 64, C replaced by T.
Protein change: p.Arg22Ter; replaces arginine 22 with a stop codon.
Molecular consequence: nonsense. On other transcripts: intron variant (9).
Genome position (GRCh38, 1-based): chr6:56,642,725, G>A on the plus strand (C>T on the coding strand, the complement: DST is on the minus strand). VCF-style: chr6-56642725-G-A. GRCh37 (hg19) VCF-style: chr6-56507523-G-A.
Other names: c.64C>T, p.Arg22Ter (NM_015548.5); c.1680-222C>T (NM_001144769.5); c.1779-222C>T (NM_001374722.1, NM_001374736.1); c.1806-222C>T (NM_001374734.1); c.1266-222C>T (NM_001144770.2); c.1146-222C>T (NM_001374730.1, NM_001386100.1, NM_183380.4 and 1 more transcripts); c.64C>T (NM_001723.6); short protein forms R22*.
Identifiers: ClinVar variation 1705347 (VCV001705347.2), dbSNP rs779625484, ClinGen allele CA3871600.

ClinVar aggregate classification (germline): Likely pathogenic. Review status: criteria provided, multiple submitters, no conflicts (2 of 4 stars). 2 submissions from 2 submitters: Likely pathogenic (2). Last evaluated 2024-09-06.

Conditions:
Hereditary sensory and autonomic neuropathy type 6. Also called: Neuropathy, hereditary sensory and autonomic, type VI; HSAN VI. Identifiers: Orphanet 314381, MedGen C3539003, MONDO:0013839, OMIM 614653.

Allele frequency attached by ClinVar (database versions not stated): ExAC 0.00002.
gnomAD v4.1: 13 of 1,614,070 alleles (0.00081%); highest among the groups gnomAD compares: East Asian, 0.0067%; no homozygotes.

Submissions (2):

Revvity Omics, Revvity
Classification: Likely pathogenic. Last evaluated: 2024-09-06. Review status: criteria provided, single submitter. Criteria: ACMG Guidelines, 2015. Collection method: clinical testing. Allele origin: germline.

3billion
Classification: Likely pathogenic for Hereditary sensory and autonomic neuropathy type 6. Last evaluated: 2022-09-01. Review status: criteria provided, single submitter. Criteria: ACMG Guidelines, 2015. Collection method: clinical testing. Allele origin: germline. Affected: yes. Observed: 1 heterozygote.
Comment: The variant is observed at an extremely low frequency in the gnomAD v2.1.1 dataset (total allele frequency: 0.003%). Stop-gained (nonsense) is predicted to result in a loss or disruption of normal protein function through nonsense-mediated decay (NMD) or protein truncation. Multiple pathogenic variants are reported downstream of the variant. Therefore, this variant is classified as Likely pathogenic according to the recommendation of ACMG/AMP guideline.